The following is an entry in ClinVar:

ClinVar aggregate classification (germline): Likely pathogenic (1 of 4 stars; one submission).

Conditions:
Spermatogenic failure 18. Identifiers: MedGen C4539783, MONDO:0054615, OMIM 617576.
Ciliary dyskinesia, primary, 37 (CILD37). Also called: CILIARY DYSKINESIA, PRIMARY, 37, WITH OR WITHOUT SITUS INVERSUS. Identifiers: MedGen C4539798, MONDO:0033204, OMIM 617577.

gnomAD v4.1: 4 of 1,601,850 alleles (0.00025%); highest among the groups gnomAD compares: Non-Finnish European, 0.00034%; no homozygotes.

Submission:

Labcorp Genetics (formerly Invitae), Labcorp
Classification: Likely pathogenic for Ciliary dyskinesia, primary, 37; Spermatogenic failure 18. Last evaluated: 2025-12-03. Review status: criteria provided, single submitter. Criteria: Invitae Variant Classification Sherloc (09022015). Collection method: clinical testing. Allele origin: germline.
Comment: This sequence change affects a donor splice site in intron 7 of the DNAH1 gene. It is expected to disrupt RNA splicing. Variants that disrupt the donor or acceptor splice site typically lead to a loss of protein function (PMID: 16199547), and loss-of-function variants in DNAH1 are known to be pathogenic (PMID: 27573432, 27798045). This variant is not present in population databases (gnomAD no frequency). This variant has not been reported in the literature in individuals affected with DNAH1-related conditions. ClinVar contains an entry for this variant (Variation ID: 3762839). Algorithms developed to predict the effect of sequence changes on RNA splicing suggest that this variant may disrupt the consensus splice site. In summary, the currently available evidence indicates that the variant is pathogenic, but additional data are needed to prove that conclusively. Therefore, this variant has been classified as Likely Pathogenic.

Literature cited by the submitters: PubMed 16199547; PubMed 27573432; PubMed 27798045.

NM_015512.5(DNAH1):c.1033+2T>C

Gene: DNAH1 (dynein axonemal heavy chain 1; plus strand). Cytogenetic location: 3p21.1.
Variant type: single nucleotide variant.
Coding change: c.1033+2T>C on transcript NM_015512.5 (MANE Select); the canonical splice donor site of the intron after coding-DNA position 1033, T replaced by C.
Molecular consequence: splice donor variant.
Genome position (GRCh38, 1-based): chr3:52,331,311, T>C. VCF-style: chr3-52331311-T-C. GRCh37 (hg19) VCF-style: chr3-52365327-T-C.
Identifiers: ClinVar variation 3762839 (VCV003762839.2).